The following is an entry in ClinVar:

NM_014855.3(AP5Z1):c.1144G>A (p.Ala382Thr)

Gene: AP5Z1 (adaptor related protein complex 5 subunit zeta 1; plus strand). Cytogenetic location: 7p22.1.
Variant type: single nucleotide variant.
Coding change: c.1144G>A on transcript NM_014855.3 (MANE Select); coding-DNA position 1144, G replaced by A.
Protein change: p.Ala382Thr; replaces alanine 382 with threonine.
Molecular consequence: missense variant. On other transcripts: non-coding transcript variant (1).
Genome position (GRCh38, 1-based): chr7:4,786,261, G>A. VCF-style: chr7-4786261-G-A. GRCh37 (hg19) VCF-style: chr7-4825892-G-A.
Other names: c.676G>A, p.Ala226Thr (NM_001364858.1); short protein forms A226T, A382T.
Identifiers: ClinVar variation 857429 (VCV000857429.9), dbSNP rs753529900, ClinGen allele CA4137659.
Genomic context (GRCh38, chr7:4,786,261, plus strand): 5'-GGCCAGGGCGAGGTCAAGACGTGTGCCCTGGCGGGCCCTGGTCTTGCAGGGGAAGCGGCT[G>A]CAGTGGACTCGGAAGCCGTCTACCAGCACCTGTTCACCAGGATCCCGGTGGAGCAGTTCC-3'
Protein context (NP_055670.1, residues 372-392): HFFLSHGEAA[Ala382Thr]VDSEAVYQHL

ClinVar aggregate classification (germline): Uncertain significance (1 of 4 stars; one submission).

Conditions:
Hereditary spastic paraplegia 48. Also called: Spastic paraplegia 48; SPASTIC PARAPLEGIA 48, AUTOSOMAL RECESSIVE. Identifiers: Orphanet 306511, MedGen C3150901, MONDO:0013342, OMIM 613647.

Allele frequency attached by ClinVar (database versions not stated): TOPMed below 0.00001; ExAC 0.00001.

Submission:

Labcorp Genetics (formerly Invitae), Labcorp
Classification: Uncertain significance for Hereditary spastic paraplegia 48. Last evaluated: 2019-05-30. Review status: criteria provided, single submitter. Criteria: Invitae Variant Classification Sherloc (09022015). Collection method: clinical testing. Allele origin: germline.
Comment: In summary, the available evidence is currently insufficient to determine the role of this variant in disease. Therefore, it has been classified as a Variant of Uncertain Significance. Algorithms developed to predict the effect of missense changes on protein structure and function output the following: SIFT: "Deleterious"; PolyPhen-2: "Benign"; Align-GVGD: "Class C0". The threonine amino acid residue is found in multiple mammalian species, suggesting that this missense change does not adversely affect protein function. These predictions have not been confirmed by published functional studies and their clinical significance is uncertain. This variant has not been reported in the literature in individuals with AP5Z1-related conditions. The frequency data for this variant in the population databases is considered unreliable, as metrics indicate poor data quality at this position in the ExAC database. This sequence change replaces alanine with threonine at codon 382 of the AP5Z1 protein (p.Ala382Thr). The alanine residue is highly conserved and there is a small physicochemical difference between alanine and threonine.